The following is an entry in ClinVar:

ClinVar aggregate classification (germline): Benign/Likely benign. Review status: criteria provided, multiple submitters, no conflicts (2 of 4 stars). 3 submissions from 2 submitters: Benign (1); Likely benign (2). Last evaluated 2018-01-13.

Conditions:
Weill-Marchesani syndrome. Also called: WM Syndrome; Mesodermal dysmorphodystrophy congenital. Identifiers: Orphanet 3449, MedGen C0265313, MONDO:0018096.
Glaucoma 3, primary congenital, D. Identifiers: Orphanet 98976, MedGen C2751316, MONDO:0013122, OMIM 613086.

Allele frequency attached by ClinVar (database versions not stated): 1000 Genomes Project 30x 0.02374; 1000 Genomes Project 0.02396; gnomAD 0.03975 and 0.04063; gnomAD exomes 0.04020; TOPMed 0.04081.
gnomAD v4.1: 8,867 of 220,024 alleles (4%); highest among the groups gnomAD compares: Middle Eastern, 6.7%; 230 homozygotes.

Submissions (3):

Illumina Laboratory Services, Illumina
Classification: Benign for Weill-Marchesani syndrome. Last evaluated: 2018-01-13. Review status: criteria provided, single submitter. Criteria: ICSL Variant Classification Criteria 13 December 2019. Collection method: clinical testing. Allele origin: germline.
Comment: This variant was observed in the ICSL laboratory as part of a predisposition screen in an ostensibly healthy population. It had not been previously curated by ICSL or reported in the Human Gene Mutation Database (HGMD: prior to June 1st, 2018), and was therefore a candidate for classification through an automated scoring system. Utilizing variant allele frequency, disease prevalence and penetrance estimates, and inheritance mode, an automated score was calculated to assess if this variant is too frequent to cause the disease. Based on the score and internal cut-off values, a variant classified as benign is not then subjected to further curation. The score for this variant resulted in a classification of benign for this disease.

Illumina Laboratory Services, Illumina
Classification: Likely benign for Glaucoma 3, primary congenital, D. Last evaluated: 2018-01-13. Review status: criteria provided, single submitter. Criteria: ICSL Variant Classification Criteria 13 December 2019. Collection method: clinical testing. Allele origin: germline.
Comment: This variant was observed in the ICSL laboratory as part of a predisposition screen in an ostensibly healthy population. It had not been previously curated by ICSL or reported in the Human Gene Mutation Database (HGMD: prior to June 1st, 2018), and was therefore a candidate for classification through an automated scoring system. Utilizing variant allele frequency, disease prevalence and penetrance estimates, and inheritance mode, an automated score was calculated to assess if this variant is too frequent to cause the disease. Based on the score and internal cut-off values, a variant classified as likely benign is not then subjected to further curation. The score for this variant resulted in a classification of likely benign for this disease.

Breakthrough Genomics
Classification: Likely benign. Review status: criteria provided, single submitter. Criteria: ACMG Guidelines, 2015. Collection method: not provided. Allele origin: germline. Inheritance: Autosomal recessive inheritance. Affected: yes.

NM_000428.3(LTBP2):c.*1873C>G

Gene: LTBP2 (latent transforming growth factor beta binding protein 2; minus strand). Cytogenetic location: 14q24.3.
Variant type: single nucleotide variant.
Coding change: c.*1873C>G on transcript NM_000428.3 (MANE Select); 1873 bases downstream of the stop codon, C replaced by G.
Molecular consequence: 3 prime UTR variant.
Genome position (GRCh38, 1-based): chr14:74,499,011, G>C on the plus strand (C>G on the coding strand, the complement: LTBP2 is on the minus strand). VCF-style: chr14-74499011-G-C. GRCh37 (hg19) VCF-style: chr14-74965714-G-C.
Identifiers: ClinVar variation 884352 (VCV000884352.5), dbSNP rs77847288, ClinGen allele CA263576465.
Genomic context (GRCh38, chr14:74,499,011, plus strand): 5'-TAACTTCTTACGTATGTCATTTTATATCTGGTGAAAATATATCTGAAGGTTAAGTTCCTA[G>C]AAGTGGAAACTACTGGATCAAAGAGTTAGTGCTTTTATAATTTTGAAGGACATTGCCATA-3'